The following is an entry in ClinVar:

NC_012920.1(MT-ND2):m.4501C>T

Gene: MT-ND2 (mitochondrially encoded NADH dehydrogenase 2; plus strand).
Variant type: single nucleotide variant.
Genome position: chrM-4501-C-T.
Identifiers: ClinVar variation 692453 (VCV000692453.1), dbSNP rs1603219484, ClinGen allele CA414774609.

ClinVar aggregate classification (germline): Benign (1 of 4 stars; one submission).

Conditions:
Leigh syndrome (NULS). Also called: Leigh's necrotizing encephalopathy; Leigh's disease; Leigh Syndrome (mtDNA deletion); Leigh Disease; Subacute necrotizing encephalopathy; Necrotizing encephalopathy infantile subacute of Leigh. Identifiers: Orphanet 506, MedGen C2931891, MONDO:0009723, OMIM 256000.

Submission:

Wong Mito Lab, Molecular and Human Genetics, Baylor College of Medicine
Classification: Benign for Leigh syndrome. Last evaluated: 2019-10-17. Review status: criteria provided, single submitter. Criteria: Modified ACMG Guidelines (Unpublished). Collection method: clinical testing. Allele origin: germline.
Comment: The NC_012920.1:m.4501C>T (YP_003024027.1:p.Ser11Phe) variant in MTND2 gene is interpretated to be a Benign variant based on the modified ACMG guidelines (unpublished). This variant meets the following evidence codes: BS1, BS2, BP4